The following is an entry in ClinVar:

ClinVar aggregate classification (germline): Uncertain significance. Review status: criteria provided, multiple submitters, no conflicts (2 of 4 stars). 10 submissions from 10 submitters: Uncertain significance (9). 1 of the submissions does not count toward it. Last evaluated 2026-09-14.

Conditions:
ATM-related cancer predisposition. Also called: ATM-related cancer susceptibility. Identifiers: MedGen CN377759, MONDO:0700270.
Familial cancer of breast. Also called: hereditary breast carcinoma; Hereditary breast cancer; BREAST CANCER, FAMILIAL. Identifiers: Orphanet 227535, MedGen C0346153, MONDO:0016419, OMIM 114480. Disease mechanism: loss of function.
Hereditary cancer-predisposing syndrome. Also called: Hereditary Cancer Syndrome; Tumor predisposition; Hereditary neoplastic syndrome; Neoplastic Syndromes, Hereditary. Identifiers: Orphanet 140162, MedGen C0027672, MeSH D009386, MONDO:0015356.
Ataxia-telangiectasia syndrome (AT). Also called: Cerebello-oculocutaneous telangiectasia; Immunodeficiency with ataxia telangiectasia; Ataxia-telangiectasia, complementation group D; AT, COMPLEMENTATION GROUP C; ATAXIA-TELANGIECTASIA, COMPLEMENTATION GROUP A; ATAXIA-TELANGIECTASIA, FRESNO VARIANT. Identifiers: Orphanet 100, MedGen C0004135, MONDO:0008840, OMIM 208900.

Allele frequency attached by ClinVar (database versions not stated): gnomAD 0.00002 and 0.00003; TOPMed 0.00002; gnomAD exomes 0.00003; ExAC 0.00005; 1000 Genomes Project 30x 0.00016; 1000 Genomes Project 0.00020.
gnomAD v4.1: 44 of 1,612,928 alleles (0.0027%); highest among the groups gnomAD compares: African/African-American, 0.004%; no homozygotes.

Submissions (10):

Hema, HEMA – Genetic and Molecular Diagnostic Laboratory
Classification: Uncertain significance for ATM-related cancer predisposition. Last evaluated: 2026-09-14. Review status: criteria provided, single submitter. Criteria: HEMA Variant Classification Assertion Criteria. Collection method: clinical testing. Allele origin: germline.
Comment: The c.4306C>T (p.His1436Tyr) variant is a transition from guanine to adenine, resulting in the substitution of histidine 1436 with tyrosine in the ATM protein. BP4: The score of the computational metapredictor REVEL = 0.166 ≤ 0.249, indicating that the variant is not expected to have an effect on the ATM protein.

Labcorp Genetics (formerly Invitae), Labcorp
Classification: Uncertain significance for Ataxia-telangiectasia syndrome. Last evaluated: 2025-12-17. Review status: criteria provided, single submitter. Criteria: Invitae Variant Classification Sherloc (09022015). Collection method: clinical testing. Allele origin: germline.
Comment: This sequence change replaces histidine, which is basic and polar, with tyrosine, which is neutral and polar, at codon 1436 of the ATM protein (p.His1436Tyr). This variant is present in population databases (rs544891616, gnomAD 0.02%). This missense change has been observed in individual(s) with gastric cancer, melanoma, and/or prostate cancer (PMID: 32066632, 32325837, 33436325, 34262154). ClinVar contains an entry for this variant (Variation ID: 187606). Invitae Evidence Modeling of protein sequence and biophysical properties (such as structural, functional, and spatial information, amino acid conservation, physicochemical variation, residue mobility, and thermodynamic stability) indicates that this missense variant is not expected to disrupt ATM protein function with a negative predictive value of 95%. In summary, the available evidence is currently insufficient to determine the role of this variant in disease. Therefore, it has been classified as a Variant of Uncertain Significance.

Center for Genomic Medicine, Rigshospitalet, Copenhagen University Hospital
Classification: Uncertain significance. Last evaluated: 2025-03-04. Review status: criteria provided, single submitter. Criteria: ACMG Guidelines, 2015. Collection method: clinical testing. Allele origin: germline.

Ambry Genetics
Classification: Uncertain significance for Hereditary cancer-predisposing syndrome. Last evaluated: 2024-09-11. Review status: criteria provided, single submitter. Criteria: Ambry Variant Classification Scheme 2023. Collection method: clinical testing. Allele origin: germline.
Comment: The p.H1436Y variant (also known as c.4306C>T), located in coding exon 28 of the ATM gene, results from a C to T substitution at nucleotide position 4306. The histidine at codon 1436 is replaced by tyrosine, an amino acid with similar properties. This alteration has been reported in at least one subject in a study of 13087 breast cancer cases and 5488 control individuals in the UK (Decker B et al. J. Med. Genet., 2017 11;54:732-741). This alteration has also been reported in individuals diagnosed with cutaneous melanoma, breast cancer, gastric cancer and prostate cancer (Pastorino L et al. Cancers (Basel), 2020 04;12:; Akcay IM et al. Int J Cancer, 2021 01;148:285-295; Carvalho J et al. J Med Genet, 2021 01;58:1-11; Karlsson Q et al. Eur Urol Oncol, 2021 08;4:570-579; Bruno W et al. ESMO Open, 2022 Aug;7:100525). This amino acid position is not well conserved in available vertebrate species. In addition, this alteration is predicted to be tolerated by in silico analysis. Based on the available evidence, the clinical significance of this variant remains unclear.

KCCC/NGS Laboratory, Kuwait Cancer Control Center
Classification: Uncertain significance for Familial cancer of breast. Last evaluated: 2024-01-08. Review status: criteria provided, single submitter. Criteria: ACMG Guidelines, 2015. Collection method: clinical testing. Allele origin: germline. Inheritance: Autosomal dominant inheritance. Affected: yes. Observed: 1 heterozygote.
Comment: This sequence change replaces histidine, which is basic and polar, with tyrosine, which is neutral and polar, at codon 1436 of the ATM protein (p.His1436Tyr). This variant is present in population databases (rs544891616, gnomAD 0.02%). This missense change has been observed in individual(s) with gastric cancer, melanoma, and/or prostate cancer (PMID: 32066632, 32325837, 33436325). ClinVar contains an entry for this variant (Variation ID: 187606). Algorithms developed to predict the effect of missense changes on protein structure and function are either unavailable or do not agree on the potential impact of this missense change (SIFT: "Tolerated"; PolyPhen-2: "Possibly Damaging"; Align-GVGD: "Class C15"). In summary, the available evidence is currently insufficient to determine the role of this variant in disease. Therefore, it has been classified as a Variant of Uncertain Significance.

GeneDx
Classification: Uncertain significance. Last evaluated: 2024-01-02. Review status: criteria provided, single submitter. Criteria: GeneDx Variant Classification Process June 2021. Collection method: clinical testing. Allele origin: germline. Affected: yes.
Comment: In silico analysis supports that this missense variant has a deleterious effect on protein structure/function; Observed in individuals with breast cancer, prostate cancer, or melanoma (PMID: 25186627, 28779002, 32658311, 32325837, 33436325, 36555667); This variant is associated with the following publications: (PMID: 28779002, 27720647, 25186627, 28652578, 32325837, 33436325, 32066632, 36029002, 36555667, 32658311)

Color Diagnostics, LLC DBA Color Health
Classification: Uncertain significance for Hereditary cancer-predisposing syndrome. Last evaluated: 2023-11-06. Review status: criteria provided, single submitter. Criteria: ACMG Guidelines, 2015. Collection method: clinical testing. Allele origin: germline.
Comment: This missense variant replaces histidine with tyrosine at codon 1436 of the ATM protein. Computational prediction suggests that this variant may not impact protein structure and function (internally defined REVEL score threshold <= 0.5, PMID: 27666373). To our knowledge, functional studies have not been reported for this variant. This variant has been reported in individuals affected with breast cancer, gastric cancer, prostate cancer, and melanoma (PMID: 28779002, 32066632, 32325837, 33436325, 33471991). In a large international case-control study, this variant was reported in 1/60465 breast cancer cases and 3/53458 controls (OR=0.295, 95%CI 0.031 to 2.833, p-value=0.347; PMID: 33471991). This variant has been identified in 8/250480 chromosomes in the general population by the Genome Aggregation Database (gnomAD). The available evidence is insufficient to determine the role of this variant in disease conclusively. Therefore, this variant is classified as a Variant of Uncertain Significance.

Baylor Genetics
Classification: Uncertain significance for Familial cancer of breast. Last evaluated: 2023-08-27. Review status: criteria provided, single submitter. Criteria: ACMG Guidelines, 2015. Collection method: clinical testing. Allele origin: unknown.

Department of Pathology and Laboratory Medicine, Sinai Health System
Classification: Uncertain significance for Familial cancer of breast. Last evaluated: 2020-05-21. Review status: criteria provided, single submitter. Criteria: ACMG Guidelines, 2015. Collection method: clinical testing. Allele origin: germline. Affected: yes.

Natera, Inc.
Classification: Uncertain significance for Ataxia-telangiectasia. Last evaluated: 2020-01-12. Review status: no assertion criteria provided. Collection method: clinical testing. Allele origin: germline. Not counted in ClinVar's aggregate classification.

Literature cited by the submitters: PubMed 32066632 (cited by 3 submitters); PubMed 32325837 (cited by 3 submitters); PubMed 33436325 (cited by 3 submitters); PubMed 34262154 (cited by Labcorp Genetics (formerly Invitae), Labcorp); PubMed 28779002 (cited by Ambry Genetics and Color Diagnostics, LLC DBA Color Health); PubMed 32658311 (cited by Ambry Genetics); PubMed 35777164 (cited by Ambry Genetics); PubMed 36555667 (cited by Ambry Genetics); PubMed 33471991 (cited by Color Diagnostics, LLC DBA Color Health).

NM_000051.4(ATM):c.4306C>T (p.His1436Tyr)

Gene: ATM (ATM serine/threonine kinase; plus strand). Cytogenetic location: 11q22.3.
Variant type: single nucleotide variant.
Coding change: c.4306C>T on transcript NM_000051.4 (MANE Select); coding-DNA position 4306, C replaced by T.
Protein change: p.His1436Tyr; replaces histidine 1436 with tyrosine.
Molecular consequence: missense variant.
Genome position (GRCh38, 1-based): chr11:108,289,671, C>T. VCF-style: chr11-108289671-C-T. GRCh37 (hg19) VCF-style: chr11-108160398-C-T.
Other names: c.4306C>T, p.His1436Tyr (NM_001351834.2); short protein forms H1436Y.
Identifiers: ClinVar variation 187606 (VCV000187606.33), dbSNP rs544891616, ClinGen allele CA198067.